The following is an entry in ClinVar:

ClinVar aggregate classification (germline): Conflicting classifications of pathogenicity. Review status: criteria provided, conflicting classifications (1 of 4 stars). 4 submissions from 4 submitters: Uncertain significance (1); Likely benign (3). Last evaluated 2026-01-01.

Allele frequency attached by ClinVar (database versions not stated): gnomAD 0.00002 and 0.00005; TOPMed 0.00002; gnomAD exomes 0.00009 and 0.00014; ExAC 0.00014.

Submissions (4):

CeGaT Center for Human Genetics Tuebingen
Classification: Likely benign. Last evaluated: 2026-01-01. Review status: criteria provided, single submitter. Criteria: CeGaT Center For Human Genetics Tuebingen Variant Classification Criteria Version 2. Collection method: clinical testing. Allele origin: germline. Affected: yes. Observed: 1 variant allele.
Comment: P2RX2: BP4

Labcorp Genetics (formerly Invitae), Labcorp
Classification: Likely benign. Last evaluated: 2025-09-13. Review status: criteria provided, single submitter. Criteria: Invitae Variant Classification Sherloc (09022015). Collection method: clinical testing. Allele origin: germline.

Ambry Genetics
Classification: Likely benign. Last evaluated: 2025-08-23. Review status: criteria provided, single submitter. Criteria: Ambry Variant Classification Scheme 2023. Collection method: clinical testing. Allele origin: germline.

GeneDx
Classification: Uncertain significance. Last evaluated: 2021-02-03. Review status: criteria provided, single submitter. Criteria: GeneDx Variant Classification Process June 2021. Collection method: clinical testing. Allele origin: germline. Affected: yes.
Comment: In silico analysis supports that this missense variant does not alter protein structure/function; Has not been previously published as pathogenic or benign to our knowledge

NM_170682.4(P2RX2):c.1054G>A (p.Val352Ile)

Gene: P2RX2 (purinergic receptor P2X 2; plus strand). Cytogenetic location: 12q24.33.
Variant type: single nucleotide variant.
Coding change: c.1054G>A on transcript NM_170682.4 (MANE Select); coding-DNA position 1054, G replaced by A.
Protein change: p.Val352Ile; replaces valine 352 with isoleucine.
Molecular consequence: missense variant. On other transcripts: 3 prime UTR variant (1).
Genome position (GRCh38, 1-based): chr12:132,621,532, G>A. VCF-style: chr12-132621532-G-A. GRCh37 (hg19) VCF-style: chr12-133198118-G-A.
Other names: c.952G>A, p.Val318Ile (NM_001282164.2); c.*23G>A (NM_001282165.2); c.838G>A, p.Val280Ile (NM_012226.5); c.982G>A, p.Val328Ile (NM_016318.4); c.1054G>A, p.Val352Ile (NM_170683.4, NM_174873.3); c.778G>A, p.Val260Ile (NM_174872.3); c.1054G>A (NM_170683.2); short protein forms V260I, V318I, V280I, V328I, V352I.
Identifiers: ClinVar variation 733323 (VCV000733323.17), dbSNP rs775460016, ClinGen allele CA6891793.
Genomic context (GRCh38, chr12:132,621,532, plus strand): 5'-CAGGCCGGGAAGTTCAGCCTGATTCCCACCATTATTAATCTGGCCACAGCTCTGACTTCC[G>A]TCGGGGTGGTAAGGAACCCTCTCTGGGGTCCCAGCGGGTGCGGGGGGTCCACCAGGCCCT-3'
Protein context (NP_733782.1, residues 342-362): IINLATALTS[Val352Ile]GVGSFLCDWI